The following is an entry in ClinVar:

NM_000059.4(BRCA2):c.9387_9388insCTGATTTGGACCACT (p.Pro3129_Glu3130insLeuIleTrpThrThr)

Gene: BRCA2 (BRCA2 DNA repair associated; plus strand). Cytogenetic location: 13q13.1.
Variant type: Insertion.
Coding change: c.9387_9388insCTGATTTGGACCACT on transcript NM_000059.4 (MANE Select); coding-DNA positions 9387 to 9388, CTGATTTGGACCACT inserted.
Protein change: p.Pro3129_Glu3130insLeuIleTrpThrThr.
Molecular consequence: inframe insertion.
Genome position: GRCh38 VCF-style: chr13-32394819-A-ACTGATTTGGACCACT. GRCh37 (hg19) VCF-style: chr13-32968956-A-ACTGATTTGGACCACT.
Identifiers: ClinVar variation 409508 (VCV000409508.9), dbSNP rs1064792963, ClinGen allele CA16614247.

ClinVar aggregate classification (germline): Uncertain significance (1 of 4 stars; one submission).

Conditions:
Hereditary breast ovarian cancer syndrome. Also called: Hereditary breast and ovarian cancer; Hereditary breast and/or ovarian cancer syndrome; BRCA1- and BRCA2-Associated Hereditary Breast and Ovarian Cancer; Hereditary breast and ovarian cancer syndrome; Hereditary breast and ovarian cancer syndrome (HBOC); Breast and ovarian cancer. Identifiers: Orphanet 145, MedGen C0677776, MeSH D061325, MONDO:0003582. Disease mechanism: loss of function.

Submission:

Labcorp Genetics (formerly Invitae), Labcorp
Classification: Uncertain significance for Hereditary breast ovarian cancer syndrome. Last evaluated: 2020-05-20. Review status: criteria provided, single submitter. Criteria: Invitae Variant Classification Sherloc (09022015). Collection method: clinical testing. Allele origin: germline.
Comment: In summary, the available evidence is currently insufficient to determine the role of this variant in disease. Therefore, it has been classified as a Variant of Uncertain Significance. Experimental studies and prediction algorithms are not available or were not evaluated, and the functional significance of this variant is currently unknown. This variant has not been reported in the literature in individuals with BRCA2-related conditions. ClinVar contains an entry for this variant (Variation ID: 409508). This variant, c.9387_9388insCTGATTTGGACCACT, results in the insertion of 5 amino acids to the BRCA2 protein (p.Pro3129_Glu3130insLeuIleTrpThrThr), but otherwise preserves the integrity of the reading frame.